The following is an entry in ClinVar:

NM_001112741.2(KCNC1):c.91G>A (p.Gly31Ser)

Gene: KCNC1 (potassium voltage-gated channel subfamily C member 1; plus strand). Cytogenetic location: 11p15.1.
Variant type: single nucleotide variant.
Coding change: c.91G>A on transcript NM_001112741.2 (MANE Select); coding-DNA position 91, G replaced by A.
Protein change: p.Gly31Ser; replaces glycine 31 with serine.
Molecular consequence: missense variant.
Genome position (GRCh38, 1-based): chr11:17,736,093, G>A. VCF-style: chr11-17736093-G-A. GRCh37 (hg19) VCF-style: chr11-17757640-G-A.
Other names: c.91G>A, p.Gly31Ser (NM_004976.4); c.91G>A (NM_001112741.1); short protein forms G31S.
Identifiers: ClinVar variation 1407389 (VCV001407389.7), dbSNP rs2133774003, ClinGen allele CA379798982.

ClinVar aggregate classification (germline): Uncertain significance. Review status: criteria provided, multiple submitters, no conflicts (2 of 4 stars). 2 submissions from 2 submitters: Uncertain significance (2). Last evaluated 2024-12-06.

Conditions:
Progressive myoclonic epilepsy type 7. Identifiers: Orphanet 435438, MedGen C4015420, MONDO:0014521, OMIM 616187.

Submissions (2):

GeneDx
Classification: Uncertain significance. Last evaluated: 2024-12-06. Review status: criteria provided, single submitter. Criteria: GeneDx Variant Classification Process June 2021. Collection method: clinical testing. Allele origin: germline. Affected: yes.
Comment: Not observed at significant frequency in large population cohorts (gnomAD); In silico analysis supports that this missense variant has a deleterious effect on protein structure/function; Has not been previously published as pathogenic or benign to our knowledge

Labcorp Genetics (formerly Invitae), Labcorp
Classification: Uncertain significance for Progressive myoclonic epilepsy type 7. Last evaluated: 2021-10-25. Review status: criteria provided, single submitter. Criteria: Invitae Variant Classification Sherloc (09022015). Collection method: clinical testing. Allele origin: germline.
Comment: In summary, the available evidence is currently insufficient to determine the role of this variant in disease. Therefore, it has been classified as a Variant of Uncertain Significance. Algorithms developed to predict the effect of sequence changes on RNA splicing suggest that this variant may create or strengthen a splice site. Algorithms developed to predict the effect of missense changes on protein structure and function are either unavailable or do not agree on the potential impact of this missense change (SIFT: "Tolerated"; PolyPhen-2: "Possibly Damaging"; Align-GVGD: "Class C0"). This variant has not been reported in the literature in individuals affected with KCNC1-related conditions. This variant is not present in population databases (gnomAD no frequency). This sequence change replaces glycine, which is neutral and non-polar, with serine, which is neutral and polar, at codon 31 of the KCNC1 protein (p.Gly31Ser).